The following is an entry in ClinVar:

ClinVar aggregate classification (germline): Likely benign (1 of 4 stars; one submission).

gnomAD v4.1: 185 of 1,614,070 alleles (0.011%); highest among the groups gnomAD compares: African/African-American, 0.22%; no homozygotes.

Submission:

CeGaT Center for Human Genetics Tuebingen
Classification: Likely benign. Last evaluated: 2026-03-01. Review status: criteria provided, single submitter. Criteria: CeGaT Center For Human Genetics Tuebingen Variant Classification Criteria Version 2. Collection method: clinical testing. Allele origin: germline. Affected: yes. Observed: 1 variant allele.
Comment: SLC26A10P: BP4, BP7

NM_001478.5(B4GALNT1):c.*1471A>G

Gene: B4GALNT1 (beta-1,4-N-acetyl-galactosaminyltransferase 1; minus strand). Cytogenetic location: 12q13.3.
Variant type: single nucleotide variant.
Coding change: c.*1471A>G on transcript NM_001478.5 (MANE Select); 1471 bases downstream of the stop codon, A replaced by G.
Molecular consequence: 3 prime UTR variant. On other transcripts: non-coding transcript variant (2).
Genome position (GRCh38, 1-based): chr12:57,625,273, T>C on the plus strand (A>G on the coding strand, the complement: B4GALNT1 is on the minus strand). VCF-style: chr12-57625273-T-C. GRCh37 (hg19) VCF-style: chr12-58019056-T-C.
Other names: c.*1471A>G (NM_001276468.2, NM_001413967.1, NM_001413968.1 and 12 more transcripts).
Identifiers: ClinVar variation 4821991 (VCV004821991.4).